The following is an entry in ClinVar:

NM_025099.6(CTC1):c.3356_3358dup (p.Leu1119dup)

Gene: CTC1 (CST telomere replication complex component 1; minus strand). Cytogenetic location: 17p13.1.
Variant type: Duplication.
Coding change: c.3356_3358dup on transcript NM_025099.6 (MANE Select); coding-DNA positions 3356 to 3358, 3 bases duplicated (TGC; older notation c.3356_3358dupTGC).
Protein change: p.Leu1119dup; duplicates leucine 1119.
Molecular consequence: inframe insertion. On other transcripts: non-coding transcript variant (1).
Genome position (GRCh38, 1-based): chr17:8,228,756-8,228,758, GCA duplicated on the plus strand (TGC on the coding strand, the reverse complement: CTC1 is on the minus strand). VCF-style (leftmost placement, unchanged base first): chr17-8228755-T-TGCA. GRCh37 (hg19) VCF-style: chr17-8132073-T-TGCA.
Identifiers: ClinVar variation 1022668 (VCV001022668.10), dbSNP rs1986946908, ClinGen allele CA2246186148.

ClinVar aggregate classification (germline): Uncertain significance (1 of 4 stars; one submission).

Conditions:
Dyskeratosis congenita. Identifiers: Orphanet 1775, MedGen C0265965, MONDO:0015780.

Submission:

Labcorp Genetics (formerly Invitae), Labcorp
Classification: Uncertain significance for Dyskeratosis congenita. Last evaluated: 2022-09-01. Review status: criteria provided, single submitter. Criteria: Invitae Variant Classification Sherloc (09022015). Collection method: clinical testing. Allele origin: germline.
Comment: This variant is not present in population databases (gnomAD no frequency). This variant has not been reported in the literature in individuals affected with CTC1-related conditions. ClinVar contains an entry for this variant (Variation ID: 1022668). Experimental studies and prediction algorithms are not available or were not evaluated, and the functional significance of this variant is currently unknown. In summary, the available evidence is currently insufficient to determine the role of this variant in disease. Therefore, it has been classified as a Variant of Uncertain Significance. This variant, c.3356_3358dup, results in the insertion of 1 amino acid(s) of the CTC1 protein (p.Leu1119dup), but otherwise preserves the integrity of the reading frame.